The following is an entry in ClinVar:

ClinVar aggregate classification (germline): Uncertain significance (1 of 4 stars; one submission).

Allele frequency attached by ClinVar (database versions not stated): gnomAD exomes below 0.00001.
gnomAD v4.1: 1 of 1,612,610 alleles (0.000062%); highest among the groups gnomAD compares: Admixed American, 0.0017%; no homozygotes.

Submission:

Labcorp Genetics (formerly Invitae), Labcorp
Classification: Uncertain significance. Last evaluated: 2022-04-17. Review status: criteria provided, single submitter. Criteria: Invitae Variant Classification Sherloc (09022015). Collection method: clinical testing. Allele origin: germline.
Comment: In summary, the available evidence is currently insufficient to determine the role of this variant in disease. Therefore, it has been classified as a Variant of Uncertain Significance. Algorithms developed to predict the effect of missense changes on protein structure and function are either unavailable or do not agree on the potential impact of this missense change (SIFT: "Deleterious"; PolyPhen-2: "Benign"; Align-GVGD: "Class C55"). This variant has not been reported in the literature in individuals affected with NFKB1-related conditions. This variant is present in population databases (no rsID available, gnomAD 0.003%). This sequence change replaces serine, which is neutral and polar, with threonine, which is neutral and polar, at codon 74 of the NFKB1 protein (p.Ser74Thr).

NM_003998.4(NFKB1):c.220T>A (p.Ser74Thr)

Gene: NFKB1 (nuclear factor kappa B subunit 1; plus strand). Cytogenetic location: 4q24.
Variant type: single nucleotide variant.
Coding change: c.220T>A on transcript NM_003998.4 (MANE Select); coding-DNA position 220, T replaced by A.
Protein change: p.Ser74Thr; replaces serine 74 with threonine.
Molecular consequence: missense variant.
Genome position (GRCh38, 1-based): chr4:102,537,918, T>A. VCF-style: chr4-102537918-T-A. GRCh37 (hg19) VCF-style: chr4-103459075-T-A.
Other names: c.217T>A, p.Ser73Thr (NM_001165412.2, NM_001319226.2, NM_001382627.1); c.220T>A, p.Ser74Thr (NM_001382625.1, NM_001382626.1); c.178T>A, p.Ser60Thr (NM_001382628.1); short protein forms S73T, S60T, S74T.
Identifiers: ClinVar variation 2118928 (VCV002118928.4), dbSNP rs1304282431, ClinGen allele CA357957731.